The following is an entry in ClinVar:

ClinVar aggregate classification (germline): Uncertain significance (1 of 4 stars; one submission).

Conditions:
Neuroblastoma, susceptibility to, 3. Also called: ALK-Related Neuroblastic Tumor Susceptibility. Identifiers: Orphanet 635, MedGen C2751681, MONDO:0013083, OMIM 613014.

Submission:

Labcorp Genetics (formerly Invitae), Labcorp
Classification: Uncertain significance for Neuroblastoma, susceptibility to, 3. Last evaluated: 2022-09-13. Review status: criteria provided, single submitter. Criteria: Invitae Variant Classification Sherloc (09022015). Collection method: clinical testing. Allele origin: germline.
Comment: In summary, the available evidence is currently insufficient to determine the role of this variant in disease. Therefore, it has been classified as a Variant of Uncertain Significance. Algorithms developed to predict the effect of missense changes on protein structure and function are either unavailable or do not agree on the potential impact of this missense change (SIFT: "Deleterious"; PolyPhen-2: "Possibly Damaging"; Align-GVGD: "Class C0"). This variant has not been reported in the literature in individuals affected with ALK-related conditions. This variant is not present in population databases (gnomAD no frequency). This sequence change replaces lysine, which is basic and polar, with methionine, which is neutral and non-polar, at codon 193 of the ALK protein (p.Lys193Met).

NM_004304.5(ALK):c.578A>T (p.Lys193Met)

Gene: ALK (ALK receptor tyrosine kinase; minus strand). Cytogenetic location: 2p23.1.
Variant type: single nucleotide variant.
Coding change: c.578A>T on transcript NM_004304.5 (MANE Select); coding-DNA position 578, A replaced by T.
Protein change: p.Lys193Met; replaces lysine 193 with methionine.
Molecular consequence: missense variant.
Genome position (GRCh38, 1-based): chr2:29,920,082, T>A on the plus strand (A>T on the coding strand, the complement: ALK is on the minus strand). VCF-style: chr2-29920082-T-A. GRCh37 (hg19) VCF-style: chr2-30142948-T-A.
Other names: short protein forms K193M.
Identifiers: ClinVar variation 2125565 (VCV002125565.4), dbSNP rs2148442948, ClinGen allele CA346589759.